The following is an entry in ClinVar:

NM_020366.4(RPGRIP1):c.1013A>G (p.Lys338Arg)

Gene: RPGRIP1 (RPGR interacting protein 1; plus strand). Cytogenetic location: 14q11.2.
Variant type: single nucleotide variant.
Coding change: c.1013A>G on transcript NM_020366.4 (MANE Select); coding-DNA position 1013, A replaced by G.
Protein change: p.Lys338Arg; replaces lysine 338 with arginine.
Molecular consequence: missense variant.
Genome position (GRCh38, 1-based): chr14:21,311,906, A>G. VCF-style: chr14-21311906-A-G. GRCh37 (hg19) VCF-style: chr14-21780065-A-G.
Other names: short protein forms K338R.
Identifiers: ClinVar variation 1942598 (VCV001942598.5), dbSNP rs2502733613, ClinGen allele CA388862303.

ClinVar aggregate classification (germline): Uncertain significance (1 of 4 stars; one submission).

Conditions:
Cone-rod dystrophy 13 (CORD13). Identifiers: Orphanet 1872, MedGen C2750720, MONDO:0011987, OMIM 608194.
Leber congenital amaurosis 6 (LCA6). Identifiers: Orphanet 65, MedGen C1854260, MONDO:0013446, OMIM 613826.

Submission:

Labcorp Genetics (formerly Invitae), Labcorp
Classification: Uncertain significance for Leber congenital amaurosis 6; Cone-rod dystrophy 13. Last evaluated: 2022-08-17. Review status: criteria provided, single submitter. Criteria: Invitae Variant Classification Sherloc (09022015). Collection method: clinical testing. Allele origin: germline.
Comment: In summary, the available evidence is currently insufficient to determine the role of this variant in disease. Therefore, it has been classified as a Variant of Uncertain Significance. Algorithms developed to predict the effect of missense changes on protein structure and function (SIFT, PolyPhen-2, Align-GVGD) all suggest that this variant is likely to be tolerated. This variant has not been reported in the literature in individuals affected with RPGRIP1-related conditions. This variant is not present in population databases (gnomAD no frequency). This sequence change replaces lysine, which is basic and polar, with arginine, which is basic and polar, at codon 338 of the RPGRIP1 protein (p.Lys338Arg).